The following is an entry in ClinVar:

NM_138409.4(MRAP2):c.506T>A (p.Phe169Tyr)

Gene: MRAP2 (melanocortin 2 receptor accessory protein 2; plus strand). Cytogenetic location: 6q14.2.
Variant type: single nucleotide variant.
Coding change: c.506T>A on transcript NM_138409.4 (MANE Select); coding-DNA position 506, T replaced by A.
Protein change: p.Phe169Tyr; replaces phenylalanine 169 with tyrosine.
Molecular consequence: missense variant.
Genome position (GRCh38, 1-based): chr6:84,089,369, T>A. VCF-style: chr6-84089369-T-A. GRCh37 (hg19) VCF-style: chr6-84799088-T-A.
Other names: c.248T>A, p.Phe83Tyr (NM_001346541.2); c.506T>A, p.Phe169Tyr (NM_001346542.2, NM_001346544.2); c.341T>A, p.Phe114Tyr (NM_001346543.2); short protein forms F83Y, F114Y, F169Y.
Identifiers: ClinVar variation 4986519 (VCV004986519.1).

ClinVar aggregate classification (germline): Uncertain significance (1 of 4 stars; one submission).

Conditions:
MRAP2-related disorder. Also called: MRAP2-related condition.

Submission:

PreventionGenetics, part of Exact Sciences
Classification: Uncertain significance for MRAP2-related condition. Last evaluated: 2025-11-06. Review status: criteria provided, single submitter. Criteria: ACMG Guidelines, 2015. Collection method: clinical testing. Allele origin: germline.
Comment: The MRAP2 c.506T>A variant is predicted to result in the amino acid substitution p.Phe169Tyr. To our knowledge, this variant has not been reported in the literature or in a large population database, indicating this variant is rare. At this time, the clinical significance of this variant is uncertain due to the absence of conclusive functional and genetic evidence.